The following continues an entry in ClinVar:

NM_000059.4(BRCA2):c.7051G>A (p.Ala2351Thr)

Gene: BRCA2. ClinVar aggregate classification (germline): Conflicting classifications of pathogenicity. Uncertain significance (8); Benign (1); Likely benign (5).

Submissions 9 to 16 of 16:

Laboratorio de Genetica e Diagnostico Molecular, Hospital Israelita Albert Einstein
Classification: Uncertain significance for Breast-ovarian cancer, familial, susceptibility to, 2. Last evaluated: 2022-03-03. Review status: criteria provided, single submitter. Criteria: ACMG Guidelines, 2015. Collection method: clinical testing. Allele origin: germline. Affected: yes. Observed: 1 variant allele.
Comment: ACMG classification criteria: BP4 supporting

National Health Laboratory Service, Universitas Academic Hospital and University of the Free State
Classification: Uncertain significance for Hereditary breast ovarian cancer syndrome. Last evaluated: 2021-11-16. Review status: criteria provided, single submitter. Criteria: ACMG Guidelines, 2015. Collection method: clinical testing. Allele origin: germline. Affected: yes. Observed: 1 variant allele.

GeneDx
Classification: Likely benign. Last evaluated: 2020-02-26. Review status: criteria provided, single submitter. Criteria: GeneDx Variant Classification Process June 2021. Collection method: clinical testing. Allele origin: germline. Affected: yes.
Comment: In silico analysis, which includes protein predictors and evolutionary conservation, supports that this variant does not alter protein structure/function; Observed in individuals with early onset breast cancer or ovarian cancer (Lee 2008, Akbari 2011); This variant is associated with the following publications: (PMID: 10923033, 31131967, 30287823, 28111427, 21965345, 18284688, 25348012, 25583476)

Fulgent Genetics
Classification: Uncertain significance for Familial cancer of breast; Medulloblastoma; Familial prostate cancer; Wilms tumor 1; Fanconi anemia complementation group D1; Breast-ovarian cancer, familial, susceptibility to, 2; Glioma susceptibility 3; Pancreatic cancer, susceptibility to, 2. Last evaluated: 2018-10-31. Review status: criteria provided, single submitter. Criteria: ACMG Guidelines, 2015. Collection method: clinical testing. Allele origin: unknown.

Fulgent Genetics
Classification: Uncertain significance for Familial cancer of breast; Medulloblastoma; Familial prostate cancer; Esophageal atresia/tracheoesophageal fistula; Wilms tumor 1; Fanconi anemia complementation group D1; Breast-ovarian cancer, familial, susceptibility to, 2; Glioma susceptibility 3; Pancreatic cancer, susceptibility to, 2. Last evaluated: 2017-05-23. Review status: criteria provided, single submitter. Criteria: ACMG Guidelines, 2015. Collection method: clinical testing. Allele origin: unknown.

Color Diagnostics, LLC DBA Color Health
Classification: Likely benign for Hereditary cancer-predisposing syndrome. Last evaluated: 2017-02-02. Review status: criteria provided, single submitter. Criteria: ACMG Guidelines, 2015. Collection method: clinical testing. Allele origin: germline.

Breast Cancer Information Core (BIC) (BRCA2)
Classification: Uncertain significance for Breast-ovarian cancer, familial 2. Last evaluated: 2002-05-29. Review status: no assertion criteria provided. Collection method: clinical testing. Allele origin: germline. Affected: yes. Observed: 4 variant alleles. Not counted in ClinVar's aggregate classification.

Department of Pathology and Laboratory Medicine, Sinai Health System
Classification: Uncertain significance for Malignant tumor of breast. Review status: no assertion criteria provided. Collection method: clinical testing. Allele origin: unknown. Affected: yes. Study: The Canadian Open Genetics Repository (COGR). Not counted in ClinVar's aggregate classification.
Comment: The BRCA2 p.Ala2351Thr variant was identified by Akbari (2011) in an individual with ovarian cancer. The variant was also identified in dbSNP (ID: rs80358930) â€šÃ„ÃºWith unknown alleleâ€šÃ„Ã¹, and in the BIC database (4X with unknown clinical importance). The variant was also identified the Exome Aggregation Consortium (ExAC) database (released Oct 20th, 2014) in 7 of 120970 chromosomes (frequency: 0.0000) (or 4 South Asian, 1 East Asian, 2 European (Non-Finnish) individuals) and none from a population of Other/African/Latino/European (Finnish) individuals; COSMIC, the ClinVar database (classified as a uncertain significance by BIC, classified as uncertain significance by Ambry Genetics, and classification not provided by Invitae) and UMD (3X as a 3-unclassified variant). In UMD the variant was identified with a co-occurring pathogenic BRCA2 variant (c.1723A>T, p.Lys575X), increasing the likelihood that the p.Ala2351Thr variant does not have clinical significance. In addition, Myriad classifies this variant as a polymorphism (personal communication).The BRCA2 IARC database notes that there is a weak/null probability of creating a de novo splice donor at nt #7046 and a weak/null probability to create a de novo splice acceptor at nt #7063. The p.Ala2351 residue is not conserved in mammals and computational analyses (PolyPhen-2, SIFT, AlignGVGD) provide inconsistent predictions regarding the impact of the variant amino acid on the protein; this information is not very predictive of pathogenicity. In summary, based on the above information, the clinical significance of this variant cannot be determined with certainty at this time. This variant is classified as a variant of unknown significance.

Literature cited by the submitters: PubMed 21965345 (cited by 3 submitters); PubMed 18284688 (cited by 3 submitters); PubMed 20858050 (cited by Women's Health and Genetics/Laboratory Corporation of America, LabCorp and Quest Diagnostics Nichols Institute San Juan Capistrano); PubMed 30287823 (cited by 3 submitters); PubMed 30039884 (cited by Women's Health and Genetics/Laboratory Corporation of America, LabCorp and Quest Diagnostics Nichols Institute San Juan Capistrano); PubMed 31131967 (cited by Women's Health and Genetics/Laboratory Corporation of America, LabCorp and Quest Diagnostics Nichols Institute San Juan Capistrano); PubMed 32812259 (cited by Women's Health and Genetics/Laboratory Corporation of America, LabCorp and Quest Diagnostics Nichols Institute San Juan Capistrano); PubMed 37731132 (cited by 3 submitters); PubMed 24163242 (cited by Quest Diagnostics Nichols Institute San Juan Capistrano); PubMed 25348012 (cited by Quest Diagnostics Nichols Institute San Juan Capistrano); PubMed 25583476 (cited by Quest Diagnostics Nichols Institute San Juan Capistrano); PubMed 10923033 (cited by Quest Diagnostics Nichols Institute San Juan Capistrano); PubMed 29642553 (cited by Quest Diagnostics Nichols Institute San Juan Capistrano); PubMed 34218100 (cited by Quest Diagnostics Nichols Institute San Juan Capistrano); PubMed 33629534 (cited by Quest Diagnostics Nichols Institute San Juan Capistrano); PubMed 33471991 (cited by Quest Diagnostics Nichols Institute San Juan Capistrano); PubMed 35464868 (cited by Quest Diagnostics Nichols Institute San Juan Capistrano); PubMed 31907386 (cited by Quest Diagnostics Nichols Institute San Juan Capistrano); DOI 10.3389/fgene.2022.834265 (cited by National Health Laboratory Service, Universitas Academic Hospital and University of the Free State).